The following is an entry in ClinVar:

ClinVar aggregate classification (germline): Uncertain significance (1 of 4 stars; one submission).

Submission:

GeneDx
Classification: Uncertain significance. Last evaluated: 2025-03-11. Review status: criteria provided, single submitter. Criteria: GeneDx Variant Classification Process June 2021. Collection method: clinical testing. Allele origin: germline. Affected: yes.
Comment: Not observed at significant frequency in large population cohorts (gnomAD); In silico analysis supports that this missense variant has a deleterious effect on protein structure/function; Has not been previously published as pathogenic or benign to our knowledge

NM_001348716.2(KDM6B):c.3872C>T (p.Ser1291Phe)

Genes: KDM6B (lysine demethylase 6B; plus strand), LOC121587574 (Sharpr-MPRA regulatory region 3930; plus strand). Cytogenetic location: 17p13.1.
Variant type: single nucleotide variant.
Coding change: c.3872C>T on transcript NM_001348716.2 (MANE Select); coding-DNA position 3872, C replaced by T.
Protein change: p.Ser1291Phe; replaces serine 1291 with phenylalanine.
Molecular consequence: missense variant.
Genome position (GRCh38, 1-based): chr17:7,851,219, C>T. VCF-style: chr17-7851219-C-T. GRCh37 (hg19) VCF-style: chr17-7754537-C-T.
Other names: c.3872C>T, p.Ser1291Phe (NM_001080424.2); short protein forms S1291F.
Identifiers: ClinVar variation 4083299 (VCV004083299.1).
Genomic context (GRCh38, chr17:7,851,219, plus strand): 5'-CCCGTTCCCACACCACCATTGCCAAGTACGCACAGTACCAGGCCTCATCCTTCCAGGAGT[C>T]TCTGCAGGTGAGATGAGAACGTGGCCAGAGGCAGGTCCTGGGACGGGGCTGCGGTGGGAG-3'
Protein context (NP_001335645.1, residues 1281-1301): AQYQASSFQE[Ser1291Phe]LQEEKESEDE